The following is an entry in ClinVar:

NM_001267727.2(ARSG):c.296G>A (p.Arg99His)

Gene: ARSG (arylsulfatase G; plus strand). Cytogenetic location: 17q24.2.
Variant type: single nucleotide variant.
Coding change: c.296G>A on transcript NM_001267727.2 (MANE Select); coding-DNA position 296, G replaced by A.
Protein change: p.Arg99His; replaces arginine 99 with histidine.
Molecular consequence: missense variant.
Genome position (GRCh38, 1-based): chr17:68,343,681, G>A. VCF-style: chr17-68343681-G-A. GRCh37 (hg19) VCF-style: chr17-66339822-G-A.
Other names: c.296G>A, p.Arg99His (NM_001352899.2, NM_001352900.2, NM_001352901.2 and 9 more transcripts); short protein forms R99H.
Identifiers: ClinVar variation 942705 (VCV000942705.9), dbSNP rs756314416, ClinGen allele CA8728158.

ClinVar aggregate classification (germline): Uncertain significance (1 of 4 stars; one submission).

Allele frequency attached by ClinVar (database versions not stated): TOPMed below 0.00001; ExAC 0.00001.
gnomAD v4.1: 13 of 1,614,134 alleles (0.00081%); highest among the groups gnomAD compares: South Asian, 0.0055%; no homozygotes.

Submission:

Labcorp Genetics (formerly Invitae), Labcorp
Classification: Uncertain significance. Last evaluated: 2022-09-27. Review status: criteria provided, single submitter. Criteria: Invitae Variant Classification Sherloc (09022015). Collection method: clinical testing. Allele origin: germline.
Comment: In summary, the available evidence is currently insufficient to determine the role of this variant in disease. Therefore, it has been classified as a Variant of Uncertain Significance. Advanced modeling of protein sequence and biophysical properties (such as structural, functional, and spatial information, amino acid conservation, physicochemical variation, residue mobility, and thermodynamic stability) performed at Invitae indicates that this missense variant is expected to disrupt ARSG protein function. ClinVar contains an entry for this variant (Variation ID: 942705). This variant has not been reported in the literature in individuals affected with ARSG-related conditions. This variant is present in population databases (rs756314416, gnomAD 0.01%). This sequence change replaces arginine, which is basic and polar, with histidine, which is basic and polar, at codon 99 of the ARSG protein (p.Arg99His).